The following is an entry in ClinVar:

ClinVar aggregate classification (germline): Conflicting classifications of pathogenicity. Review status: criteria provided, conflicting classifications (1 of 4 stars). 10 submissions from 8 submitters: Uncertain significance (2); Benign (1); Likely benign (6). 1 of the submissions does not count toward it. Last evaluated 2025-04-14.

Conditions:
INSR-related disorder.
Insulin-resistant diabetes mellitus AND acanthosis nigricans. Also called: DIABETES MELLITUS, INSULIN-RESISTANT, WITH ACANTHOSIS NIGRICANS, TYPE A; INSULIN RECEPTOR, DEFECT IN, WITH INSULIN-RESISTANT DIABETES MELLITUS AND ACANTHOSIS NIGRICANS; IRAN, TYPE A; type A insulin resistance; Insulin-resistance syndrome type A. Identifiers: Orphanet 2297, MedGen C0342278, MONDO:0012520, OMIM 610549.
Hyperinsulinism due to INSR deficiency. Also called: Hyperinsulinism due to glutamodehydrogenase deficiency. Identifiers: Orphanet 263458, MedGen C1864952, MONDO:0012381, OMIM 609968.
Leprechaunism syndrome. Also called: LEPRECHAUNISM; Donohue syndrome. Identifiers: Orphanet 508, MedGen C0265344, MONDO:0009517, OMIM 246200.
Rabson-Mendenhall syndrome. Also called: MENDENHALL SYNDROME; Pineal Hyperplasia, Insulin-Resistant Diabetes Mellitus, and Somatic Abnormalities; Pineal hyperplasia AND diabetes mellitus syndrome. Identifiers: Orphanet 769, MedGen C0271695, MONDO:0009874, OMIM 262190.

Allele frequency attached by ClinVar (database versions not stated): gnomAD exomes 0.00014 and 0.00033; ExAC 0.00043; gnomAD 0.00127 and 0.00134; ESP Exome Variant Server 0.00131; TOPMed 0.00147; 1000 Genomes Project 0.00200; 1000 Genomes Project 30x 0.00234.
gnomAD v4.1: 400 of 1,614,226 alleles (0.025%); highest among the groups gnomAD compares: African/African-American, 0.48%; 1 homozygote.

Submissions (10):

Labcorp Genetics (formerly Invitae), Labcorp
Classification: Benign. Last evaluated: 2025-04-14. Review status: criteria provided, single submitter. Criteria: Invitae Variant Classification Sherloc (09022015). Collection method: clinical testing. Allele origin: germline.

Blueprint Genetics
Classification: Likely benign. Last evaluated: 2024-09-18. Review status: criteria provided, single submitter. Criteria: ACMG Guidelines, 2015. Collection method: clinical testing. Allele origin: germline.

CeGaT Center for Human Genetics Tuebingen
Classification: Likely benign. Last evaluated: 2023-02-01. Review status: criteria provided, single submitter. Criteria: CeGaT Center For Human Genetics Tuebingen Variant Classification Criteria Version 2. Collection method: clinical testing. Allele origin: germline. Affected: yes. Observed: 2 variant alleles.
Comment: INSR: BP4, BP7

Eurofins Ntd Llc (ga)
Classification: Uncertain significance. Last evaluated: 2018-05-15. Review status: criteria provided, single submitter. Criteria: EGL ClinVar v180209 classification definitions. Collection method: clinical testing. Allele origin: germline. Observed: 1 variant allele, 1 heterozygote.

Illumina Laboratory Services, Illumina
Classification: Likely benign for Insulin-resistant diabetes mellitus AND acanthosis nigricans. Last evaluated: 2018-01-13. Review status: criteria provided, single submitter. Criteria: ICSL Variant Classification Criteria 13 December 2019. Collection method: clinical testing. Allele origin: germline.
Comment: This variant was observed in the ICSL laboratory as part of a predisposition screen in an ostensibly healthy population. It had not been previously curated by ICSL or reported in the Human Gene Mutation Database (HGMD: prior to June 1st, 2018), and was therefore a candidate for classification through an automated scoring system. Utilizing variant allele frequency, disease prevalence and penetrance estimates, and inheritance mode, an automated score was calculated to assess if this variant is too frequent to cause the disease. Based on the score and internal cut-off values, a variant classified as likely benign is not then subjected to further curation. The score for this variant resulted in a classification of likely benign for this disease.

Illumina Laboratory Services, Illumina
Classification: Likely benign for Leprechaunism syndrome. Last evaluated: 2018-01-13. Review status: criteria provided, single submitter. Criteria: ICSL Variant Classification Criteria 13 December 2019. Collection method: clinical testing. Allele origin: germline.
Comment: the same text as in the submission from Illumina Laboratory Services, Illumina above.

Illumina Laboratory Services, Illumina
Classification: Likely benign for Rabson-Mendenhall syndrome. Last evaluated: 2018-01-13. Review status: criteria provided, single submitter. Criteria: ICSL Variant Classification Criteria 13 December 2019. Collection method: clinical testing. Allele origin: germline.
Comment: the same text as in the submission from Illumina Laboratory Services, Illumina above.

Genetic Services Laboratory, University of Chicago
Classification: Uncertain significance. Last evaluated: 2014-11-11. Review status: criteria provided, single submitter. Criteria: ACMG Guidelines, 2015. Collection method: clinical testing. Allele origin: germline.

Clinical Genomics, Uppaluri K&H Personalized Medicine Clinic
Classification: Likely benign for Hyperinsulinism due to INSR deficiency. Review status: criteria provided, single submitter. Criteria: K And H Uppaluri Personalized Medicine Clinic Variant Classification And Assertion Criteria Updated V 2. Collection method: research. Allele origin: unknown. Inheritance: Autosomal dominant inheritance.
Comment: Potent mutations in INSR gene can lead to insulin resistance, which presents as impaired glucose tolerance, early onset type 2 diabetes, post prandial hyperglycemia and increased insulin requirement in type 1 diabetes. These mutations in INSR gene can also predispose to coronary artery disease, metabolic syndrome, polycystic ovarian disease and non alcoholic fatty liver disease.However, the role of this particular variant rs147125937 with early onset diabetes mellitus is yet to be ascertained.

PreventionGenetics, part of Exact Sciences
Classification: Likely benign for INSR-related condition. Last evaluated: 2022-03-23. Review status: no assertion criteria provided. Collection method: clinical testing. Allele origin: germline. Not counted in ClinVar's aggregate classification.
Comment: This variant is classified as likely benign based on ACMG/AMP sequence variant interpretation guidelines (Richards et al. 2015 PMID: 25741868, with internal and published modifications).

Literature cited by the submitters: PubMed 35000900 (cited by Clinical Genomics, Uppaluri K&H Personalized Medicine Clinic); PubMed 31989990 (cited by Clinical Genomics, Uppaluri K&H Personalized Medicine Clinic); PubMed 23705494 (cited by Clinical Genomics, Uppaluri K&H Personalized Medicine Clinic).

NM_000208.4(INSR):c.2736G>A (p.Arg912=)

Gene: INSR (insulin receptor; minus strand). Cytogenetic location: 19p13.2.
Variant type: single nucleotide variant.
Coding change: c.2736G>A on transcript NM_000208.4 (MANE Select); coding-DNA position 2736, G replaced by A.
Protein change: p.Arg912=; no amino-acid change (arginine 912 retained).
Molecular consequence: synonymous variant.
Genome position (GRCh38, 1-based): chr19:7,132,264, C>T on the plus strand (G>A on the coding strand, the complement: INSR is on the minus strand). VCF-style: chr19-7132264-C-T. GRCh37 (hg19) VCF-style: chr19-7132275-C-T.
Other names: c.2700G>A, p.Arg900= (NM_001079817.3).
Identifiers: ClinVar variation 211194 (VCV000211194.48), dbSNP rs147125937, ClinGen allele CA207510.